The following is an entry in ClinVar:

ClinVar aggregate classification (germline): Uncertain significance (1 of 4 stars; one submission).

Submission:

GeneDx
Classification: Uncertain significance. Last evaluated: 2024-12-28. Review status: criteria provided, single submitter. Criteria: GeneDx Variant Classification Process June 2021. Collection method: clinical testing. Allele origin: germline.
Comment: Not observed at significant frequency in large population cohorts (gnomAD); In silico analysis indicates that this missense variant does not alter protein structure/function; Has not been previously published as pathogenic or benign to our knowledge

NM_006912.6(RIT1):c.511A>G (p.Ile171Val)

Gene: RIT1 (Ras like without CAAX 1; minus strand). Cytogenetic location: 1q22.
Variant type: single nucleotide variant.
Coding change: c.511A>G on transcript NM_006912.6 (MANE Select); coding-DNA position 511, A replaced by G.
Protein change: p.Ile171Val; replaces isoleucine 171 with valine.
Molecular consequence: missense variant.
Genome position (GRCh38, 1-based): chr1:155,900,537, T>C on the plus strand (A>G on the coding strand, the complement: RIT1 is on the minus strand). VCF-style: chr1-155900537-T-C. GRCh37 (hg19) VCF-style: chr1-155870328-T-C.
Other names: c.403A>G, p.Ile135Val (NM_001256820.2); c.562A>G, p.Ile188Val (NM_001256821.2); short protein forms I135V, I171V, I188V.
Identifiers: ClinVar variation 1804359 (VCV001804359.2), dbSNP rs2527171483, ClinGen allele CA342801365.